The following is an entry in ClinVar:

ClinVar aggregate classification (germline): Uncertain significance (1 of 4 stars; one submission).

Submission:

Labcorp Genetics (formerly Invitae), Labcorp
Classification: Uncertain significance. Last evaluated: 2025-12-03. Review status: criteria provided, single submitter. Criteria: Invitae Variant Classification Sherloc (09022015). Collection method: clinical testing. Allele origin: germline.
Comment: This sequence change replaces aspartic acid, which is acidic and polar, with glycine, which is neutral and non-polar, at codon 1774 of the NOTCH3 protein (p.Asp1774Gly). This variant is not present in population databases (gnomAD no frequency). This variant has not been reported in the literature in individuals affected with NOTCH3-related conditions. Invitae Evidence Modeling of protein sequence and biophysical properties (such as structural, functional, and spatial information, amino acid conservation, physicochemical variation, residue mobility, and thermodynamic stability) indicates that this missense variant is not expected to disrupt NOTCH3 protein function with a negative predictive value of 95%. In summary, the available evidence is currently insufficient to determine the role of this variant in disease. Therefore, it has been classified as a Variant of Uncertain Significance.

NM_000435.3(NOTCH3):c.5321A>G (p.Asp1774Gly)

Gene: NOTCH3 (notch receptor 3; minus strand). Cytogenetic location: 19p13.12.
Variant type: single nucleotide variant.
Coding change: c.5321A>G on transcript NM_000435.3 (MANE Select); coding-DNA position 5321, A replaced by G.
Protein change: p.Asp1774Gly; replaces aspartic acid 1774 with glycine.
Molecular consequence: missense variant.
Genome position (GRCh38, 1-based): chr19:15,167,290, T>C on the plus strand (A>G on the coding strand, the complement: NOTCH3 is on the minus strand). VCF-style: chr19-15167290-T-C. GRCh37 (hg19) VCF-style: chr19-15278101-T-C.
Other names: short protein forms D1774G.
Identifiers: ClinVar variation 4802096 (VCV004802096.1).